The following is an entry in ClinVar:

ClinVar aggregate classification (germline): Likely benign. Review status: criteria provided, multiple submitters, no conflicts (2 of 4 stars). 3 submissions from 3 submitters: Likely benign (2). 1 of the submissions does not count toward it. Last evaluated 2026-09-01.

Conditions:
CSMD1-related disorder. Also called: CSMD1-related condition.

Allele frequency attached by ClinVar (database versions not stated): 1000 Genomes Project 30x 0.00031; 1000 Genomes Project 0.00040; gnomAD 0.00140; ESP Exome Variant Server 0.00219; TOPMed 0.00238.
gnomAD v4.1: 3,694 of 1,599,108 alleles (0.23%); highest among the groups gnomAD compares: Middle Eastern, 0.68%; 7 homozygotes.

Submissions (3):

CeGaT Center for Human Genetics Tuebingen
Classification: Likely benign. Last evaluated: 2026-09-01. Review status: criteria provided, single submitter. Criteria: CeGaT Center For Human Genetics Tuebingen Variant Classification Criteria Version 2. Collection method: clinical testing. Allele origin: germline. Affected: yes. Observed: 4 variant alleles.
Comment: CSMD1: BP4, BS1

Labcorp Genetics (formerly Invitae), Labcorp
Classification: Likely benign. Last evaluated: 2019-12-31. Review status: criteria provided, single submitter. Criteria: Invitae Variant Classification Sherloc (09022015). Collection method: clinical testing. Allele origin: germline.

PreventionGenetics, part of Exact Sciences
Classification: Benign for CSMD1-related condition. Last evaluated: 2019-05-24. Review status: no assertion criteria provided. Collection method: clinical testing. Allele origin: germline. Not counted in ClinVar's aggregate classification.
Comment: This variant is classified as benign based on ACMG/AMP sequence variant interpretation guidelines (Richards et al. 2015 PMID: 25741868, with internal and published modifications).

NM_033225.6(CSMD1):c.5344C>A (p.Gln1782Lys)

Gene: CSMD1 (CUB and Sushi multiple domains 1; minus strand). Cytogenetic location: 8p23.2.
Variant type: single nucleotide variant.
Coding change: c.5344C>A on transcript NM_033225.6 (MANE Select); coding-DNA position 5344, C replaced by A.
Protein change: p.Gln1782Lys; replaces glutamine 1782 with lysine.
Molecular consequence: missense variant.
Genome position (GRCh38, 1-based): chr8:3,189,966, G>T on the plus strand (C>A on the coding strand, the complement: CSMD1 is on the minus strand). VCF-style: chr8-3189966-G-T. GRCh37 (hg19) VCF-style: chr8-3047488-G-T.
Other names: short protein forms Q1782K.
Identifiers: ClinVar variation 710690 (VCV000710690.46), dbSNP rs202157459, ClinGen allele CA4606996.